The following is an entry in ClinVar:

NM_000553.6(WRN):c.1577-17T>G

Gene: WRN (WRN RecQ like helicase; plus strand). Cytogenetic location: 8p12.
Variant type: single nucleotide variant.
Coding change: c.1577-17T>G on transcript NM_000553.6 (MANE Select); 17 bases into the intron before coding-DNA position 1577, T replaced by G.
Molecular consequence: intron variant.
Genome position (GRCh38, 1-based): chr8:31,088,873, T>G. VCF-style: chr8-31088873-T-G. GRCh37 (hg19) VCF-style: chr8-30946389-T-G.
Identifiers: ClinVar variation 256706 (VCV000256706.21), dbSNP rs145080962, ClinGen allele CA4704419.
Genomic context (GRCh38, chr8:31,088,873, plus strand): 5'-AATGAAATAAACTGTTTTCTCCCTCTATGTGGTGTTTTTCTACTTGAACATAAATGCACA[T>G]TTTATTTTATTTCCAGACTTTTTGTGGCCAGCACCCAATGAAGAGCAAGTTACTTGCCTC-3'

ClinVar aggregate classification (germline): Benign/Likely benign. Review status: criteria provided, multiple submitters, no conflicts (2 of 4 stars). 8 submissions from 7 submitters: Benign (5); Likely benign (3). Last evaluated 2026-09-01.

Conditions:
Werner syndrome (WRN). Identifiers: Orphanet 902, MedGen C0043119, MONDO:0010196, OMIM 277700.
Wiskott-Aldrich syndrome (WAS). Also called: ALDRICH SYNDROME; IMMUNODEFICIENCY 2; WISKOTT-ALDRICH SYNDROME 1; Wiskott-aldrich syndrome, somatic. Identifiers: Orphanet 906, MedGen C0043194, MONDO:0010518, OMIM 301000.

Allele frequency attached by ClinVar (database versions not stated): gnomAD exomes 0.00035 and 0.00099; ExAC 0.00175; gnomAD 0.00343 and 0.00363; TOPMed 0.00381; ESP Exome Variant Server 0.00408; 1000 Genomes Project 0.00499; 1000 Genomes Project 30x 0.00515.
gnomAD v4.1: 1,053 of 1,601,474 alleles (0.066%); highest among the groups gnomAD compares: African/African-American, 1.2%; 5 homozygotes.

Submissions (10):

CeGaT Center for Human Genetics Tuebingen
Classification: Likely benign. Last evaluated: 2026-09-01. Review status: criteria provided, single submitter. Criteria: CeGaT Center For Human Genetics Tuebingen Variant Classification Criteria Version 2. Collection method: clinical testing. Allele origin: germline. Affected: yes. Observed: 2 variant alleles.
Comment: WRN: BS1

Labcorp Genetics (formerly Invitae), Labcorp
Classification: Benign for Werner syndrome. Last evaluated: 2026-01-31. Review status: criteria provided, single submitter. Criteria: Invitae Variant Classification Sherloc (09022015). Collection method: clinical testing. Allele origin: germline.

KCCC/NGS Laboratory, Kuwait Cancer Control Center
Classification: Benign for Werner syndrome. Last evaluated: 2025-02-01. Review status: criteria provided, single submitter. Criteria: ACMG Guidelines, 2015. Collection method: clinical testing. Allele origin: germline. Affected: no.

Blueprint Genetics
Classification: Likely benign. Last evaluated: 2024-10-15. Review status: criteria provided, single submitter. Criteria: ACMG Guidelines, 2015. Collection method: clinical testing. Allele origin: germline.

KCCC/NGS Laboratory, Kuwait Cancer Control Center
Classification: Benign for Wiskott-Aldrich syndrome. Last evaluated: 2023-07-07. Review status: criteria provided, single submitter. Criteria: ACMG Guidelines, 2015. Collection method: clinical testing. Allele origin: germline. Affected: yes.

Genome-Nilou Lab
Classification: Benign for Werner syndrome. Last evaluated: 2021-12-05. Review status: criteria provided, single submitter. Criteria: ACMG Guidelines, 2015. Collection method: clinical testing. Allele origin: germline. Affected: no.

GeneDx
Classification: Likely benign. Last evaluated: 2019-07-29. Review status: criteria provided, single submitter. Criteria: GeneDx Variant Classification Process June 2021. Collection method: clinical testing. Allele origin: germline. Affected: yes.

PreventionGenetics, part of Exact Sciences
Classification: Benign. Review status: criteria provided, single submitter. Criteria: ACMG Guidelines, 2015. Collection method: clinical testing. Allele origin: germline.

Dr. Peter K. Rogan Lab, Western University
No classification provided (evidence only). Condition: Malignant tumor of esophagus. Review status: no classification provided. Collection method: in vitro. Allele origin: not applicable. Functional consequence: retained intron. Not counted in ClinVar's aggregate classification.

Dr. Peter K. Rogan Lab, Western University
No classification provided (evidence only). Condition: Cervical cancer. Review status: no classification provided. Collection method: in vitro. Allele origin: not applicable. Functional consequence: retained intron. Not counted in ClinVar's aggregate classification.